The following is an entry in ClinVar:

ClinVar aggregate classification (germline): Uncertain significance (1 of 4 stars; one submission).

Submission:

Labcorp Genetics (formerly Invitae), Labcorp
Classification: Uncertain significance. Last evaluated: 2022-07-30. Review status: criteria provided, single submitter. Criteria: Invitae Variant Classification Sherloc (09022015). Collection method: clinical testing. Allele origin: germline.
Comment: This sequence change replaces aspartic acid, which is acidic and polar, with glutamic acid, which is acidic and polar, at codon 28 of the P3H2 protein (p.Asp28Glu). This variant is not present in population databases (gnomAD no frequency). This variant has not been reported in the literature in individuals affected with P3H2-related conditions. ClinVar contains an entry for this variant (Variation ID: 941570). Algorithms developed to predict the effect of missense changes on protein structure and function are either unavailable or do not agree on the potential impact of this missense change (SIFT: "Deleterious"; PolyPhen-2: "Benign"; Align-GVGD: "Class C0"). In summary, the available evidence is currently insufficient to determine the role of this variant in disease. Therefore, it has been classified as a Variant of Uncertain Significance.

NM_018192.4(P3H2):c.84C>G (p.Asp28Glu)

Gene: P3H2 (prolyl 3-hydroxylase 2; minus strand). Cytogenetic location: 3q28.
Variant type: single nucleotide variant.
Coding change: c.84C>G on transcript NM_018192.4 (MANE Select); coding-DNA position 84, C replaced by G.
Protein change: p.Asp28Glu; replaces aspartic acid 28 with glutamic acid.
Molecular consequence: missense variant. On other transcripts: intron variant (1).
Genome position (GRCh38, 1-based): chr3:190,120,648, G>C on the plus strand (C>G on the coding strand, the complement: P3H2 is on the minus strand). VCF-style: chr3-190120648-G-C. GRCh37 (hg19) VCF-style: chr3-189838437-G-C.
Other names: c.-64+1555C>G (NM_001134418.2); short protein forms D28E.
Identifiers: ClinVar variation 941570 (VCV000941570.4), dbSNP rs1712534770, ClinGen allele CA355860203.